The following is an entry in ClinVar:

NM_003919.3(SGCE):c.1210_1213del (p.Asp404fs)

Genes: CASD1 (CAS1 domain sialic acid O acetyltransferase 1; plus strand), SGCE (sarcoglycan epsilon; minus strand). Cytogenetic location: 7q21.3.
Variant type: Deletion.
Coding change: c.1210_1213del on transcript NM_003919.3 (MANE Select); coding-DNA positions 1210 to 1213, 4 bases deleted (GACA; older notation c.1210_1213delGACA).
Protein change: p.Asp404fs; shifts the reading frame from aspartic acid 404.
Molecular consequence: frameshift variant.
Genome position (GRCh38, 1-based): chr7:94,598,815-94,598,818, TGTC deleted on the plus strand (GACA on the coding strand, the reverse complement: SGCE is on the minus strand); deleting any 4 consecutive bases within chr7:94,598,815-94,598,821 gives the same sequence; the c. name uses the placement nearest the transcript's 3' end. VCF-style (leftmost placement, unchanged base first): chr7-94598814-TTGTC-T. GRCh37 (hg19) VCF-style: chr7-94228126-TTGTC-T.
Other names: c.1210_1213del (NM_003919.2); c.1183_1186del, p.Asp395fs (NM_001099400.2, NM_001346717.2); c.1210_1213del, p.Asp404fs (NM_001099401.2); c.1087_1090del, p.Asp363fs (NM_001301139.2); c.1318_1321del, p.Asp440fs (NM_001346713.2); c.1291_1294del, p.Asp431fs (NM_001346715.2); c.1123_1126del, p.Asp375fs (NM_001346719.2); c.937_940del, p.Asp313fs (NM_001346720.2); and 3 more; short protein forms D395fs, D431fs, D354fs, D363fs, D404fs, D304fs, D313fs, D366fs.
Identifiers: ClinVar variation 265518 (VCV000265518.13), dbSNP rs886039595, ClinGen allele CA10588445.
Genomic context (GRCh38, chr7:94,598,814, plus strand): 5'-TGGCTCTAAGTGGACACTTACTGCTGCGTTTGCATCAATGGCATGTTTGTGCTATCATAG[TTGTC>T]TGTGTGTAAAGGAGGTATGATTTCCCCAGTCACAGGGTGGAACACAGGAAGCGTTGACAG-3'

ClinVar aggregate classification (germline): Pathogenic/Likely pathogenic. Review status: criteria provided, multiple submitters, no conflicts (2 of 4 stars). 3 submissions from 3 submitters: Pathogenic (2); Likely pathogenic (1). Last evaluated 2025-07-16.

Conditions:
Myoclonic dystonia 11 (DYT11). Also called: DYT-SGCE; Myoclonic dystonia; Dystonia 11; Dystonia, alcohol responsive; Hereditary essential myoclonus; SGCE Myoclonus-Dystonia. Identifiers: Orphanet 36899, MedGen C1834570, MONDO:0008044, OMIM 159900.

Submissions (3):

GeneDx
Classification: Pathogenic. Last evaluated: 2025-07-16. Review status: criteria provided, single submitter. Criteria: GeneDx Variant Classification Process June 2021. Collection method: clinical testing. Allele origin: germline. Affected: yes.
Comment: Frameshift variant predicted to result in protein truncation or nonsense mediated decay in a gene for which loss of function is a known mechanism of disease; Not observed at significant frequency in large population cohorts (gnomAD); Has not been previously reported as pathogenic or benign in association with SGCE-related disorders to our knowledge; This variant is associated with the following publications: (PMID: 37523181)

Labcorp Genetics (formerly Invitae), Labcorp
Classification: Pathogenic for Myoclonic dystonia 11. Last evaluated: 2025-07-14. Review status: criteria provided, single submitter. Criteria: Invitae Variant Classification Sherloc (09022015). Collection method: clinical testing. Allele origin: germline.
Comment: This sequence change creates a premature translational stop signal (p.Asp404Thrfs*9) in the SGCE gene. It is expected to result in an absent or disrupted protein product. Loss-of-function variants in SGCE are known to be pathogenic (PMID: 12821748, 15389977, 17853490, 24297365). This variant is present in population databases (no rsID available, gnomAD 0.0009%). This variant has not been reported in the literature in individuals affected with SGCE-related conditions. ClinVar contains an entry for this variant (Variation ID: 265518). For these reasons, this variant has been classified as Pathogenic.

Juno Genomics, Hangzhou Juno Genomics, Inc
Classification: Likely pathogenic for Myoclonic dystonia 11. Review status: criteria provided, single submitter. Criteria: ACMG Guidelines, 2015. Collection method: clinical testing. Allele origin: germline.
Comment: Null variant in a gene where loss of function (LOF) is a known mechanism of disease.;Absent from controls (or at extremely low frequency if recessive) in Genome Aggregation Database.

Literature cited by the submitters: PubMed 12821748 (cited by Labcorp Genetics (formerly Invitae), Labcorp); PubMed 15389977 (cited by Labcorp Genetics (formerly Invitae), Labcorp); PubMed 17853490 (cited by Labcorp Genetics (formerly Invitae), Labcorp); PubMed 24297365 (cited by Labcorp Genetics (formerly Invitae), Labcorp).